The following is an entry in ClinVar:

ClinVar aggregate classification (germline): Uncertain significance (1 of 4 stars; one submission).

Conditions:
Early-infantile DEE. Also called: Early infantile epileptic encephalopathy; Ohtahara syndrome; Early infantile epileptic encephalopathy with suppression bursts. Identifiers: Orphanet 1934, MedGen C0393706, MONDO:0800491.

Allele frequency attached by ClinVar (database versions not stated): gnomAD exomes below 0.00001.

Submission:

Labcorp Genetics (formerly Invitae), Labcorp
Classification: Uncertain significance for Early-infantile DEE. Last evaluated: 2022-07-09. Review status: criteria provided, single submitter. Criteria: Invitae Variant Classification Sherloc (09022015). Collection method: clinical testing. Allele origin: germline.
Comment: This variant is not present in population databases (gnomAD no frequency). This sequence change replaces arginine, which is basic and polar, with histidine, which is basic and polar, at codon 639 of the SCN8A protein (p.Arg639His). This variant has not been reported in the literature in individuals affected with SCN8A-related conditions. Algorithms developed to predict the effect of missense changes on protein structure and function are either unavailable or do not agree on the potential impact of this missense change (SIFT: "Deleterious"; PolyPhen-2: "Benign"; Align-GVGD: "Class C0"). In summary, the available evidence is currently insufficient to determine the role of this variant in disease. Therefore, it has been classified as a Variant of Uncertain Significance.

NM_001330260.2(SCN8A):c.1916G>A (p.Arg639His)

Gene: SCN8A (sodium voltage-gated channel alpha subunit 8; plus strand). Cytogenetic location: 12q13.13.
Variant type: single nucleotide variant.
Coding change: c.1916G>A on transcript NM_001330260.2 (MANE Select); coding-DNA position 1916, G replaced by A.
Protein change: p.Arg639His; replaces arginine 639 with histidine.
Molecular consequence: missense variant.
Genome position (GRCh38, 1-based): chr12:51,721,826, G>A. VCF-style: chr12-51721826-G-A. GRCh37 (hg19) VCF-style: chr12-52115610-G-A.
Other names: c.1916G>A, p.Arg639His (NM_001177984.3, NM_001369788.1, NM_014191.4); short protein forms R639H.
Identifiers: ClinVar variation 2015398 (VCV002015398.4), dbSNP rs2540204430, ClinGen allele CA385229852.